The following is an entry in ClinVar:

NM_019032.6(ADAMTSL4):c.232C>T (p.Leu78Phe)

Genes: ADAMTSL4 (ADAMTS like 4; plus strand), ADAMTSL4-AS2 (ADAMTSL4 antisense RNA 2; minus strand). Cytogenetic location: 1q21.2.
Variant type: single nucleotide variant.
Coding change: c.232C>T on transcript NM_019032.6 (MANE Select); coding-DNA position 232, C replaced by T.
Protein change: p.Leu78Phe; replaces leucine 78 with phenylalanine.
Molecular consequence: missense variant.
Genome position (GRCh38, 1-based): chr1:150,553,051, C>T. VCF-style: chr1-150553051-C-T. GRCh37 (hg19) VCF-style: chr1-150525527-C-T.
Other names: c.232C>T, p.Leu78Phe (NM_001288607.2, NM_001288608.2, NM_001378596.1 and 1 more transcripts); c.232C>T (NM_019032.5); short protein forms L78F.
Identifiers: ClinVar variation 292518 (VCV000292518.13), dbSNP rs147688134, ClinGen allele CA1077906.
Genomic context (GRCh38, chr1:150,553,051, plus strand): 5'-CAGCCCTGCGGGGTGGGGGTGCAGCGCAGGAGCCGGACATGTCAGCTCCCTACAGTGCAG[C>T]TCCACCCGAGTCTGCCCCTCCCTCCCCGGCCCCCAAGACATCCAGAAGCCCTCCTCCCCC-3'
Protein context (NP_061905.2, residues 68-88): SRTCQLPTVQ[Leu78Phe]HPSLPLPPRP

ClinVar aggregate classification (germline): Uncertain significance. Review status: criteria provided, multiple submitters, no conflicts (2 of 4 stars). 8 submissions from 7 submitters: Uncertain significance (8). Last evaluated 2023-04-11.

Conditions:
Inborn genetic diseases. Identifiers: MedGen C0950123, MeSH D030342.
Ectopia lentis et pupillae. Also called: ECTOPIA LENTIS WITH ECTOPIA OF PUPIL. Identifiers: Orphanet 1885, MedGen C1644196, MONDO:0009153, OMIM 225200.
Ectopia lentis 2, isolated, autosomal recessive (ECTOL2). Identifiers: Orphanet 1885, MedGen C3541474, MONDO:0009152, OMIM 225100.

Allele frequency attached by ClinVar (database versions not stated): 1000 Genomes Project 30x 0.00016; gnomAD exomes 0.00019 and 0.00029; 1000 Genomes Project 0.00020; ExAC 0.00027; ESP Exome Variant Server 0.00031; gnomAD 0.00034; TOPMed 0.00039.
gnomAD v4.1: 349 of 1,613,384 alleles (0.022%); highest among the groups gnomAD compares: Middle Eastern, 0.35%; 1 homozygote.

Submissions (8):

Genome-Nilou Lab
Classification: Uncertain significance for Ectopia lentis et pupillae. Last evaluated: 2023-04-11. Review status: criteria provided, single submitter. Criteria: ACMG Guidelines, 2015. Collection method: clinical testing. Allele origin: germline. Affected: no.

Genome-Nilou Lab
Classification: Uncertain significance for Ectopia lentis 2, isolated, autosomal recessive. Last evaluated: 2023-04-11. Review status: criteria provided, single submitter. Criteria: ACMG Guidelines, 2015. Collection method: clinical testing. Allele origin: germline. Affected: no.

Ambry Genetics
Classification: Uncertain significance for Inborn genetic diseases. Last evaluated: 2023-01-11. Review status: criteria provided, single submitter. Criteria: Ambry Variant Classification Scheme 2023. Collection method: clinical testing. Allele origin: germline.

Labcorp Genetics (formerly Invitae), Labcorp
Classification: Uncertain significance. Last evaluated: 2022-10-14. Review status: criteria provided, single submitter. Criteria: Invitae Variant Classification Sherloc (09022015). Collection method: clinical testing. Allele origin: germline.
Comment: This sequence change replaces leucine, which is neutral and non-polar, with phenylalanine, which is neutral and non-polar, at codon 78 of the ADAMTSL4 protein (p.Leu78Phe). This variant is present in population databases (rs147688134, gnomAD 0.05%). This variant has not been reported in the literature in individuals affected with ADAMTSL4-related conditions. ClinVar contains an entry for this variant (Variation ID: 292518). Advanced modeling of protein sequence and biophysical properties (such as structural, functional, and spatial information, amino acid conservation, physicochemical variation, residue mobility, and thermodynamic stability) performed at Invitae indicates that this missense variant is not expected to disrupt ADAMTSL4 protein function. In summary, the available evidence is currently insufficient to determine the role of this variant in disease. Therefore, it has been classified as a Variant of Uncertain Significance.

Department of Pathology and Laboratory Medicine, Sinai Health System
Classification: Uncertain significance for Ectopia lentis et pupillae; Ectopia lentis 2, isolated, autosomal recessive. Last evaluated: 2021-09-17. Review status: criteria provided, single submitter. Criteria: ACMG Guidelines, 2015. Collection method: research. Allele origin: germline.

Revvity Omics, Revvity
Classification: Uncertain significance. Last evaluated: 2020-10-31. Review status: criteria provided, single submitter. Criteria: ACMG Guidelines, 2015. Collection method: clinical testing. Allele origin: germline.

Illumina Laboratory Services, Illumina
Classification: Uncertain significance for Ectopia lentis 2, isolated, autosomal recessive. Last evaluated: 2018-01-13. Review status: criteria provided, single submitter. Criteria: ICSL Variant Classification Criteria 13 December 2019. Collection method: clinical testing. Allele origin: germline.

Breakthrough Genomics
Classification: Uncertain significance. Review status: criteria provided, single submitter. Criteria: ACMG Guidelines, 2015. Collection method: not provided. Allele origin: germline. Inheritance: Autosomal recessive inheritance. Affected: yes.